The following continues an entry in ClinVar:

NM_032043.3(BRIP1):c.2233G>A (p.Ala745Thr)

Gene: BRIP1. ClinVar aggregate classification (germline): Conflicting classifications of pathogenicity. Uncertain significance (20); Likely benign (1).

Submissions 8 to 22 of 22:

Color Diagnostics, LLC DBA Color Health
Classification: Uncertain significance for Hereditary cancer-predisposing syndrome. Last evaluated: 2025-01-22. Review status: criteria provided, single submitter. Criteria: ACMG Guidelines, 2015. Collection method: clinical testing. Allele origin: germline.
Comment: This missense variant replaces alanine with threonine at codon 745 of the BRIP1 protein. Computational prediction is inconclusive regarding the impact of this variant on protein structure and function. A functional study reported this variant to be wild-type in protein stability and sensitivity and cell cycle progression assays to mitomycin C and cisplatin treatment (PMID: 31822495). This variant has been reported in individuals affected with personal or family history of breast and/or ovarian cancer (PMID: 22692731, 26315354, 26921362, 31822495, 33471991), as well as in unaffected control individuals (PMID: 29368626, 31822495, 33471991). This variant has also been identified in 20/246024 chromosomes in the general population by the Genome Aggregation Database (gnomAD). The available evidence is insufficient to determine the role of this variant in disease conclusively. Therefore, this variant is classified as a Variant of Uncertain Significance.

Ambry Genetics
Classification: Uncertain significance for Hereditary cancer-predisposing syndrome. Last evaluated: 2024-09-25. Review status: criteria provided, single submitter. Criteria: Ambry Variant Classification Scheme 2023. Collection method: clinical testing. Allele origin: germline.
Comment: The p.A745T variant (also known as c.2233G>A), located in coding exon 14 of the BRIP1 gene, results from a G to A substitution at nucleotide position 2233. The alanine at codon 745 is replaced by threonine, an amino acid with similar properties. This variant has been reported in multiple individuals considered high-risk for breast and /or ovarian cancer (Catucci I et al. Fam. Cancer. 2012 Sep;11:483-91; Maxwell KN et al. Am. J. Hum. Genet. 2016 May;98:801-817; Tsaousis GN et al. BMC Cancer, 2019 Jun;19:535). This alteration has also been identified in individuals diagnosed with breast, ovarian and/or pancreatic cancer (Ramus SJ et al. J Natl Cancer Inst, 2015 Nov;107:; Wang J et al. Cancer Med, 2019 05;8:2074-2084; Moyer CL et al. Cancer Res. 2020 Feb;80:857-867; Yin L et al. JAMA Netw Open, 2022 Feb;5:e2148721). This amino acid position is highly conserved in available vertebrate species. In addition, the in silico prediction for this alteration is inconclusive. Based on the available evidence, the clinical significance of this variant remains unclear.

Blueprint Genetics
Classification: Uncertain significance. Last evaluated: 2024-08-26. Review status: criteria provided, single submitter. Criteria: ACMG Guidelines, 2015. Collection method: clinical testing. Allele origin: germline.

Institute for Biomarker Research, Medical Diagnostic Laboratories, L.L.C.
Classification: Uncertain significance for Hereditary cancer-predisposing syndrome. Last evaluated: 2024-06-04. Review status: criteria provided, single submitter. Criteria: ACMG Guidelines, 2015. Collection method: clinical testing. Allele origin: germline.

Baylor Genetics
Classification: Uncertain significance for Familial cancer of breast. Last evaluated: 2024-03-05. Review status: criteria provided, single submitter. Criteria: ACMG Guidelines, 2015. Collection method: clinical testing. Allele origin: unknown.

Fulgent Genetics
Classification: Uncertain significance for Familial cancer of breast; Fanconi anemia complementation group J. Last evaluated: 2024-03-05. Review status: criteria provided, single submitter. Criteria: ACMG Guidelines, 2015. Collection method: clinical testing. Allele origin: germline.

Quest Diagnostics Nichols Institute San Juan Capistrano
Classification: Likely benign. Last evaluated: 2023-07-18. Review status: criteria provided, single submitter. Criteria: Quest Diagnostics criteria. Collection method: clinical testing. Allele origin: unknown.

St. Jude Molecular Pathology, St. Jude Children's Research Hospital
Classification: Uncertain significance for Familial cancer of breast. Last evaluated: 2023-05-03. Review status: criteria provided, single submitter. Criteria: St. Jude Assertion Criteria 2020. Collection method: clinical testing. Allele origin: germline.
Comment: The BRIP1 c.2233G>A (p.Ala745Thr) missense change has a maximum founder subpopulation frequency of 0.096% and a maximum non-founder subpopulation frequency of 0.028% in gnomAD v2.1.1. The in silico tool REVEL is inconclusive about a pathogenic or benign effect of this variant on protein function, but published functional studies demonstrate no damaging effect (PMID: 31822495). The variant has been reported in individuals with breast and/or ovarian cancer (PMID: 22692731, 26315354, 26921362, 27153395, 31822495). This variant has not been reported in individuals with Fanconi anemia. In summary, the evidence currently available is insufficient to determine the clinical significance of this variant. It has therefore been classified as of uncertain significance.

Myriad Genetics, Inc.
Classification: Uncertain significance for Familial cancer of breast. Last evaluated: 2023-03-02. Review status: criteria provided, single submitter. Criteria: Myriad Autosomal Dominant, Autosomal Recessive and X-Linked Classification Criteria (2023). Collection method: clinical testing. Allele origin: unknown.
Comment: This variant is classified as a variant of uncertain significance as there is insufficient evidence to determine its impact on protein function and/or cancer risk.

Sema4
Classification: Uncertain significance for Hereditary cancer-predisposing syndrome. Last evaluated: 2021-11-10. Review status: criteria provided, single submitter. Criteria: Sema4 Curation Guidelines. Collection method: curation. Allele origin: germline.
Comment: The BRIP1 c.2233G>A (p.A745T) variant has been reported in heterozygosity in numerous individuals with hereditary breast and/or ovarian cancer as well as unaffected controls (PMID: 33471991, 26315354, 26921362, 29368626, 31822495, 22692731). In silico predictions of the variant's effect on protein function are inconclusive, but an interstrand cross link damage survival assay demonstrated the normal function of the protein (PMID: 31822495). This variant was observed in 10/10364 chromosomes in the Ashkenazi Jewish population according to the Genome Aggregation Database (PMID: 32461654). This variant has been reported in ClinVar (Variation ID: 128169). The evidence is insufficient to meet ACMG/AMP criteria for classifying the variant as benign or pathogenic. Thus, the clinical significance of this variant is currently uncertain.

Institute for Clinical Genetics, University Hospital TU Dresden, University Hospital TU Dresden
Classification: Uncertain significance. Last evaluated: 2021-11-03. Review status: criteria provided, single submitter. Criteria: ACMG Guidelines, 2015. Collection method: clinical testing. Allele origin: germline.

GeneKor MSA
Classification: Uncertain significance for Hereditary cancer-predisposing syndrome. Last evaluated: 2018-08-01. Review status: criteria provided, single submitter. Criteria: ACMG Guidelines, 2015. Collection method: clinical testing. Allele origin: germline.

Vantari Genetics
Classification: Uncertain significance for Hereditary cancer-predisposing syndrome. Last evaluated: 2015-10-14. Review status: criteria provided, single submitter. Criteria: ACMG Guidelines, 2015. Collection method: clinical testing. Allele origin: germline.

Genetic Services Laboratory, University of Chicago
Classification: Uncertain significance. Last evaluated: 2015-04-11. Review status: criteria provided, single submitter. Criteria: ACMG Guidelines, 2015. Collection method: clinical testing. Allele origin: germline.

Counsyl
Classification: Uncertain significance for Fanconi anemia complementation group J; Ovarian cancer. Last evaluated: 2017-09-06. Review status: no assertion criteria provided. Collection method: clinical testing. Allele origin: unknown. Not counted in ClinVar's aggregate classification.

Literature cited by the submitters: PubMed 22692731 (cited by 7 submitters); PubMed 26315354 (cited by 7 submitters); PubMed 30982232 (cited by 3 submitters); PubMed 31822495 (cited by 7 submitters); PubMed 25846551 (cited by Women's Health and Genetics/Laboratory Corporation of America, LabCorp); PubMed 27153395 (cited by 3 submitters); PubMed 26921362 (cited by 5 submitters); PubMed 26709662 (cited by Women's Health and Genetics/Laboratory Corporation of America, LabCorp); PubMed 29368626 (cited by 4 submitters); PubMed 33471991 (cited by 3 submitters); PubMed 31159747 (cited by Ambry Genetics and Quest Diagnostics Nichols Institute San Juan Capistrano); PubMed 35171259 (cited by Ambry Genetics and Quest Diagnostics Nichols Institute San Juan Capistrano).